The following is an entry in ClinVar:

ClinVar aggregate classification (germline): Uncertain significance (1 of 4 stars; one submission).

Allele frequency attached by ClinVar (database versions not stated): gnomAD 0.00003; TOPMed 0.00002; gnomAD exomes below 0.00001.
gnomAD v4.1: 6 of 1,536,608 alleles (0.00039%); highest among the groups gnomAD compares: African/African-American, 0.0082%; no homozygotes.

Submission:

Ambry Genetics
Classification: Uncertain significance. Last evaluated: 2025-10-23. Review status: criteria provided, single submitter. Criteria: Ambry Variant Classification Scheme 2023. Collection method: clinical testing. Allele origin: germline.
Comment: The c.11913T>G (p.S3971R) alteration is located in exon 23 (coding exon 23) of the STARD9 gene. This alteration results from a T to G substitution at nucleotide position 11913, causing the serine (S) at amino acid position 3971 to be replaced by an arginine (R). Based on data from gnomAD, the G allele has an overall frequency of 0.003% (1/31328) total alleles studied. The highest observed frequency was 0.012% (1/8700) of African alleles. Based on insufficient or conflicting evidence, the clinical significance of this alteration remains unclear.

NM_020759.3(STARD9):c.11913T>G (p.Ser3971Arg)

Gene: STARD9 (StAR related lipid transfer domain containing 9; plus strand). Cytogenetic location: 15q15.2.
Variant type: single nucleotide variant.
Coding change: c.11913T>G on transcript NM_020759.3 (MANE Select); coding-DNA position 11913, T replaced by G.
Protein change: p.Ser3971Arg; replaces serine 3971 with arginine.
Molecular consequence: missense variant.
Genome position (GRCh38, 1-based): chr15:42,693,491, T>G. VCF-style: chr15-42693491-T-G. GRCh37 (hg19) VCF-style: chr15-42985689-T-G.
Other names: short protein forms S3971R.
Identifiers: ClinVar variation 2296610 (VCV002296610.3), dbSNP rs1037926764, ClinGen allele CA269903872.